The following is an entry in ClinVar:

NM_007348.4(ATF6):c.1189A>G (p.Met397Val)

Gene: ATF6 (activating transcription factor 6; plus strand). Cytogenetic location: 1q23.3.
Variant type: single nucleotide variant.
Coding change: c.1189A>G on transcript NM_007348.4 (MANE Select); coding-DNA position 1189, A replaced by G.
Protein change: p.Met397Val; replaces methionine 397 with valine.
Molecular consequence: missense variant.
Genome position (GRCh38, 1-based): chr1:161,846,450, A>G. VCF-style: chr1-161846450-A-G. GRCh37 (hg19) VCF-style: chr1-161816240-A-G.
Other names: c.1189A>G, p.Met397Val (NM_001410890.1); short protein forms M397V.
Identifiers: ClinVar variation 1942901 (VCV001942901.6), dbSNP rs1383539978, ClinGen allele CA343378511.
Genomic context (GRCh38, chr1:161,846,450, plus strand): 5'-GCAGGCATATGTGTGACATATTTTTATTTCAGCTATTATTTCCTGTTTTTTATTTTCAGC[A>G]TGTTGGAACAGGATTCCAGGAGAATGAACCCTAGTGTGAGCCCTGCAAATCAAAGGAGGC-3'
Protein context (NP_031374.2, residues 387-407): FIILNYGPMS[Met397Val]LEQDSRRMNP

ClinVar aggregate classification (germline): Uncertain significance. Review status: criteria provided, multiple submitters, no conflicts (2 of 4 stars). 2 submissions from 2 submitters: Uncertain significance (2). Last evaluated 2022-08-17.

Conditions:
Inborn genetic diseases. Identifiers: MedGen C0950123, MeSH D030342.

Allele frequency attached by ClinVar (database versions not stated): gnomAD exomes 0.00001; TOPMed 0.00001.
gnomAD v4.1: 7 of 1,596,854 alleles (0.00044%); highest among the groups gnomAD compares: South Asian, 0.0034%; no homozygotes.

Submissions (2):

Ambry Genetics
Classification: Uncertain significance for Inborn genetic diseases. Last evaluated: 2022-08-17. Review status: criteria provided, single submitter. Criteria: Ambry Variant Classification Scheme 2023. Collection method: clinical testing. Allele origin: germline.

Labcorp Genetics (formerly Invitae), Labcorp
Classification: Uncertain significance. Last evaluated: 2022-06-30. Review status: criteria provided, single submitter. Criteria: Invitae Variant Classification Sherloc (09022015). Collection method: clinical testing. Allele origin: germline.
Comment: This sequence change replaces methionine, which is neutral and non-polar, with valine, which is neutral and non-polar, at codon 397 of the ATF6 protein (p.Met397Val). In summary, the available evidence is currently insufficient to determine the role of this variant in disease. Therefore, it has been classified as a Variant of Uncertain Significance. Algorithms developed to predict the effect of missense changes on protein structure and function output the following: SIFT: "Tolerated"; PolyPhen-2: "Benign"; Align-GVGD: "Class C0". The valine amino acid residue is found in multiple mammalian species, which suggests that this missense change does not adversely affect protein function. This variant has not been reported in the literature in individuals affected with ATF6-related conditions. This variant is present in population databases (no rsID available, gnomAD 0.003%).